The following is an entry in ClinVar:

NM_182914.3(SYNE2):c.12159AGA[1] (p.Glu4054del)

Gene: SYNE2 (spectrin repeat containing nuclear envelope protein 2; plus strand). Cytogenetic location: 14q23.2.
Variant type: Microsatellite.
Coding change: c.12159AGA[1] on transcript NM_182914.3 (MANE Select); one copy of the 3-base unit AGA starting at c.12159; the reference has two copies in a row; one copy, 3 bases deleted.
Protein change: p.Glu4054del; deletes glutamic acid 4054.
Genome position (GRCh38, 1-based): chr14:64,098,002-64,098,004, AGA deleted; deleting any 3 consecutive bases within chr14:64,097,998-64,098,004 gives the same sequence; the position shown is the placement nearest the transcript's 3' end. VCF-style (leftmost placement, unchanged base first): chr14-64097997-AAAG-A. GRCh37 (hg19) VCF-style: chr14-64564715-AAAG-A.
Other names: c.12159AGA[1], p.Glu4054del (NM_015180.6); short protein forms E4054del.
Identifiers: ClinVar variation 3571915 (VCV003571915.1).

ClinVar aggregate classification (germline): Uncertain significance (1 of 4 stars; one submission).

Submission:

Athena Diagnostics
Classification: Uncertain significance. Last evaluated: 2023-12-29. Review status: criteria provided, single submitter. Criteria: Athena Diagnostics Criteria. Collection method: clinical testing. Allele origin: unknown.
Comment: Available data are insufficient to determine the clinical significance of the variant at this time. The frequency of this variant in the general population is uninformative in assessment of its pathogenicity. Computational tools yielded predictions that this variant is unlikely to have an effect on normal RNA splicing.